The following is an entry in ClinVar:

ClinVar aggregate classification (germline): Likely benign. Review status: criteria provided, single submitter (1 of 4 stars). 3 submissions from 3 submitters: Likely benign (1). 2 of the submissions do not count toward it. Last evaluated 2025-12-17.

Conditions:
Glycine encephalopathy. Also called: Non-ketotic hyperglycinemia; Nonketotic hyperglycinemia. Identifiers: Orphanet 407, MedGen C0751748, MONDO:0011612, HP:0008288.
GLDC-related disorder. Also called: GLDC-related condition.

Allele frequency attached by ClinVar (database versions not stated): gnomAD exomes 0.00002 and 0.00006; ExAC 0.00007; gnomAD 0.00015 and 0.00017; 1000 Genomes Project 30x 0.00016; TOPMed 0.00019; 1000 Genomes Project 0.00020.
gnomAD v4.1: 50 of 1,608,782 alleles (0.0031%); highest among the groups gnomAD compares: African/African-American, 0.061%; no homozygotes.

Submissions (3):

Labcorp Genetics (formerly Invitae), Labcorp
Classification: Likely benign for Glycine encephalopathy. Last evaluated: 2025-12-17. Review status: criteria provided, single submitter. Criteria: Invitae Variant Classification Sherloc (09022015). Collection method: clinical testing. Allele origin: germline.

PreventionGenetics, part of Exact Sciences
Classification: Likely benign for GLDC-related condition. Last evaluated: 2024-06-19. Review status: no assertion criteria provided. Collection method: clinical testing. Allele origin: germline. Not counted in ClinVar's aggregate classification.
Comment: This variant is classified as likely benign based on ACMG/AMP sequence variant interpretation guidelines (Richards et al. 2015 PMID: 25741868, with internal and published modifications).

Natera, Inc.
Classification: Uncertain significance for Non-ketotic hyperglycinemia. Last evaluated: 2020-03-11. Review status: no assertion criteria provided. Collection method: clinical testing. Allele origin: germline. Not counted in ClinVar's aggregate classification.

NM_000170.3(GLDC):c.2307C>T (p.Pro769=)

Gene: GLDC (glycine decarboxylase; minus strand). Cytogenetic location: 9p24.1.
Variant type: single nucleotide variant.
Coding change: c.2307C>T on transcript NM_000170.3 (MANE Select); coding-DNA position 2307, C replaced by T.
Protein change: p.Pro769=; no amino-acid change (proline 769 retained).
Molecular consequence: synonymous variant.
Genome position (GRCh38, 1-based): chr9:6,554,677, G>A on the plus strand (C>T on the coding strand, the complement: GLDC is on the minus strand). VCF-style: chr9-6554677-G-A. GRCh37 (hg19) VCF-style: chr9-6554677-G-A.
Identifiers: ClinVar variation 719922 (VCV000719922.13), dbSNP rs565834029, ClinGen allele CA4980300.
Genomic context (GRCh38, chr9:6,554,677, plus strand): 5'-CTCCTTCATTCTGTCTCCAAAGCCATCCTGAAACCAGCAGCCCAGAACTTACACTCCGAT[G>A]GGCCCCATGCCAGGACCACCTCCTCCGTGGGGAATGCAGAAGGTCTTGTGAAGATTTAGG-3'
Protein context (NP_000161.2, residues 759-779): PHGGGGPGMG[Pro769=]IGVKKHLAPF